The following is an entry in ClinVar:

NM_004407.4(DMP1):c.1153G>A (p.Glu385Lys)

Genes: DMP1 (dentin matrix acidic phosphoprotein 1; plus strand), DMP1-AS1 (DMP1 and DSPP antisense RNA 1; minus strand). Cytogenetic location: 4q22.1.
Variant type: single nucleotide variant.
Coding change: c.1153G>A on transcript NM_004407.4 (MANE Select); coding-DNA position 1153, G replaced by A.
Protein change: p.Glu385Lys; replaces glutamic acid 385 with lysine.
Molecular consequence: missense variant.
Genome position (GRCh38, 1-based): chr4:87,662,931, G>A. VCF-style: chr4-87662931-G-A. GRCh37 (hg19) VCF-style: chr4-88584083-G-A.
Other names: c.1153G>A (NM_004407.3); c.1105G>A, p.Glu369Lys (NM_001079911.3); short protein forms E369K, E385K.
Identifiers: ClinVar variation 2060445 (VCV002060445.5), dbSNP rs781781034, ClinGen allele CA3002148.

ClinVar aggregate classification (germline): Uncertain significance. Review status: criteria provided, multiple submitters, no conflicts (2 of 4 stars). 2 submissions from 2 submitters: Uncertain significance (2). Last evaluated 2025-08-25.

Conditions:
Inborn genetic diseases. Identifiers: MedGen C0950123, MeSH D030342.

Allele frequency attached by ClinVar (database versions not stated): gnomAD 0.00002; ExAC 0.00002; TOPMed 0.00001.
gnomAD v4.1: 20 of 1,613,930 alleles (0.0012%); highest among the groups gnomAD compares: East Asian, 0.018%; no homozygotes.

Submissions (2):

Ambry Genetics
Classification: Uncertain significance for Inborn genetic diseases. Last evaluated: 2025-08-25. Review status: criteria provided, single submitter. Criteria: Ambry Variant Classification Scheme 2023. Collection method: clinical testing. Allele origin: germline.

Labcorp Genetics (formerly Invitae), Labcorp
Classification: Uncertain significance. Last evaluated: 2022-06-03. Review status: criteria provided, single submitter. Criteria: Invitae Variant Classification Sherloc (09022015). Collection method: clinical testing. Allele origin: germline.
Comment: This variant has not been reported in the literature in individuals affected with DMP1-related conditions. Algorithms developed to predict the effect of missense changes on protein structure and function are either unavailable or do not agree on the potential impact of this missense change (SIFT: "Deleterious"; PolyPhen-2: "Probably Damaging"; Align-GVGD: "Class C15"). In summary, the available evidence is currently insufficient to determine the role of this variant in disease. Therefore, it has been classified as a Variant of Uncertain Significance. This variant is present in population databases (rs781781034, gnomAD 0.04%). This sequence change replaces glutamic acid, which is acidic and polar, with lysine, which is basic and polar, at codon 385 of the DMP1 protein (p.Glu385Lys).